The following is an entry in ClinVar:

NM_000051.4(ATM):c.590G>A (p.Gly197Glu)

Gene: ATM (ATM serine/threonine kinase; plus strand). Cytogenetic location: 11q22.3.
Variant type: single nucleotide variant.
Coding change: c.590G>A on transcript NM_000051.4 (MANE Select); coding-DNA position 590, G replaced by A.
Protein change: p.Gly197Glu; replaces glycine 197 with glutamic acid.
Molecular consequence: missense variant.
Genome position (GRCh38, 1-based): chr11:108,244,046, G>A. VCF-style: chr11-108244046-G-A. GRCh37 (hg19) VCF-style: chr11-108114773-G-A.
Other names: p.Gly197Glu; NM_000051.4(ATM):c.590G>A; c.590G>A, p.Gly197Glu (NM_001351834.2); short protein forms G197E.
Identifiers: ClinVar variation 420008 (VCV000420008.31), dbSNP rs753806542, ClinGen allele CA6264634.

ClinVar aggregate classification (germline): Uncertain significance. Review status: reviewed by expert panel (3 of 4 stars). 11 submissions from 11 submitters: Uncertain significance (1). 10 of the submissions do not count toward it. Last evaluated 2024-11-26.

Conditions:
Hereditary cancer-predisposing syndrome. Also called: Hereditary Cancer Syndrome; Neoplastic Syndromes, Hereditary; Tumor predisposition; Hereditary neoplastic syndrome. Identifiers: Orphanet 140162, MedGen C0027672, MeSH D009386, MONDO:0015356.
ATM-related cancer predisposition. Also called: ATM-related cancer susceptibility. Identifiers: MedGen CN377759, MONDO:0700270.
Familial cancer of breast. Also called: Hereditary breast cancer; hereditary breast carcinoma; BREAST CANCER, FAMILIAL. Identifiers: Orphanet 227535, MedGen C0346153, MONDO:0016419, OMIM 114480. Disease mechanism: loss of function.
Ataxia-telangiectasia syndrome (AT). Also called: Ataxia-telangiectasia, complementation group D; AT, COMPLEMENTATION GROUP C; LOUIS-BAR SYNDROME; Cerebello-oculocutaneous telangiectasia; Immunodeficiency with ataxia telangiectasia; ATAXIA-TELANGIECTASIA, COMPLEMENTATION GROUP A. Identifiers: Orphanet 100, MedGen C0004135, MONDO:0008840, OMIM 208900.

Allele frequency attached by ClinVar (database versions not stated): gnomAD exomes 0.00003; gnomAD 0.00001; ExAC 0.00004; TOPMed below 0.00001.
gnomAD v4.1: 19 of 1,613,374 alleles (0.0012%); highest among the groups gnomAD compares: South Asian, 0.02%; no homozygotes.

Submissions (11):

ClinGen Hereditary Breast, Ovarian and Pancreatic Cancer Variant Curation Expert Panel, ClinGen
Classification: Uncertain significance for ATM-related cancer predisposition. Last evaluated: 2024-11-26. Review status: reviewed by expert panel. Criteria: ClinGen HBOP ACMG Specifications ATM V1.3.0. Collection method: curation. Allele origin: germline. Inheritance: Autosomal dominant inheritance.
Comment: The c.590G>A variant in ATM is a missense variant predicted to cause substitution of glycine by glutamic acid at amino acid 197 (p.Gly197Glu). This variant has been detected in at least two individuals with Ataxia-Telangiectasia (PMID: 18846412, 26896183). The highest population minor allele frequency in gnomAD v2.1.1 is 0.0002288 in the South Asian population (PM2_Supporting, BS1, and BA1 are not met). The computational predictor REVEL gives a score of 0.66, which is neither above nor below the thresholds predicting a damaging or benign impact on ATM function. In summary, this variant meets criteria to be classified as a variant of uncertain significance for autosomal dominant ATM-related cancer predisposition and autosomal recessive Ataxia-Telangiectasia based on the ACMG/AMP criteria applied as specified by the HBOP Variant Curation Expert Panel. (PM3)

Color Diagnostics, LLC DBA Color Health
Classification: Uncertain significance for Hereditary cancer-predisposing syndrome. Last evaluated: 2025-05-20. Review status: criteria provided, single submitter. Criteria: ACMG Guidelines, 2015. Collection method: clinical testing. Allele origin: germline. Not counted in ClinVar's aggregate classification.
Comment: This missense variant replaces glycine with glutamic acid at codon 197 of the ATM protein. Computational prediction is inconclusive regarding the impact of this variant on protein structure and function. This variant has been reported in homozygosity in individuals affected with a mild form of Ataxia-Telangiectasia (PMID: 18846412, 26896183, 30549301, 39138584Tiet 2023 Dissertation University of Cambridge). Cell lines derived from several of these individuals showed reduced ATM protein expression and kinase activity (PMID: 18846412, 30549301Tiet 2023 Dissertation University of Cambridge). This variant has been observed in individuals affected with breast cancer (PMID: 33471991Tiet 2023 Dissertation University of Cambridge) and endometrioid adenocarcinoma (PMID: 36293153). This variant has also been observed in healthy control individuals in two breast cancer case-control studies (PMID: 28779002, 33471991). This variant has been identified in 7/250934 chromosomes (7/30596 South Asian chromosomes) in the general population by the Genome Aggregation Database (gnomAD). The available evidence is insufficient to determine the role of this variant in hereditary cancer conclusively. Therefore, this variant is classified as a Variant of Uncertain Significance.

Ambry Genetics
Classification: Uncertain significance for Hereditary cancer-predisposing syndrome. Last evaluated: 2025-04-21. Review status: criteria provided, single submitter. Criteria: Ambry Variant Classification Scheme 2023. Collection method: clinical testing. Allele origin: germline. Not counted in ClinVar's aggregate classification.
Comment: The p.G197E variant (also known as c.590G>A), located in coding exon 5 of the ATM gene, results from a G to A substitution at nucleotide position 590. The glycine at codon 197 is replaced by glutamic acid, an amino acid with similar properties. A lymphoblastoid cell line derived from the patient's blood showed a reduced level of ATM protein; the ATM protein retained some kinase activity in vivo. This alteration has also been reported as homozygous in two siblings who presented with global developmental delay and ataxia (Cordeiro D et al. Neurol Genet, 2018 Oct;4:e265). Additionally, this alteration was identified in the homozygous state in an individual with a clinical diagnosis of of A-T (Kim J et al. Nature, 2023 Jul;619:828-836). This amino acid position is highly conserved in available vertebrate species. In addition, this alteration is predicted to be deleterious by in silico analysis. Based on the available evidence, the clinical significance of this alteration remains unclear.

Labcorp Genetics (formerly Invitae), Labcorp
Classification: Uncertain significance for Ataxia-telangiectasia syndrome. Last evaluated: 2025-04-18. Review status: criteria provided, single submitter. Criteria: Invitae Variant Classification Sherloc (09022015). Collection method: clinical testing. Allele origin: germline. Not counted in ClinVar's aggregate classification.
Comment: This sequence change replaces glycine, which is neutral and non-polar, with glutamic acid, which is acidic and polar, at codon 197 of the ATM protein (p.Gly197Glu). This variant is present in population databases (rs753806542, gnomAD 0.02%). This missense change has been observed in individuals with atypical ataxia-telangiectasia and/or breast cancer, endometrial cancer (PMID: 18846412, 28779002, 30283815, 36293153, 37438524, 39138584). ClinVar contains an entry for this variant (Variation ID: 420008). Invitae Evidence Modeling of protein sequence and biophysical properties (such as structural, functional, and spatial information, amino acid conservation, physicochemical variation, residue mobility, and thermodynamic stability) has been performed for this missense variant. However, the output from this modeling did not meet the statistical confidence thresholds required to predict the impact of this variant on ATM protein function. Experimental studies have shown that this missense change affects ATM function (PMID: 18846412). In summary, the available evidence is currently insufficient to determine the role of this variant in disease. Therefore, it has been classified as a Variant of Uncertain Significance.

KCCC/NGS Laboratory, Kuwait Cancer Control Center
Classification: Uncertain significance for Familial cancer of breast. Last evaluated: 2024-12-16. Review status: criteria provided, single submitter. Criteria: ACMG Guidelines, 2015. Collection method: clinical testing. Allele origin: germline. Inheritance: Autosomal dominant inheritance. Affected: yes. Observed: 1 heterozygote. Not counted in ClinVar's aggregate classification.
Comment: This sequence change replaces glycine, which is neutral and non-polar, with glutamic acid, which is acidic and polar, at codon 197 of the ATM protein (p.Gly197Glu). This amino acid position is highly conserved. This variant is present in population databases (rs753806542, gnomAD 0.02%). This missense change has been observed in individual(s) with atypical ataxia-telangiectasia (PMID: 18846412). ClinVar contains an entry for this variant (Variation ID: 420008). In addition, this alteration is predicted to be deleterious by in silico analysis. In summary, the available evidence is currently insufficient to determine the role of this variant in disease. Therefore, it has been classified as a Variant of Uncertain Significance.

GeneDx
Classification: Uncertain significance. Last evaluated: 2024-10-29. Review status: criteria provided, single submitter. Criteria: GeneDx Variant Classification Process June 2021. Collection method: clinical testing. Allele origin: germline. Affected: yes. Not counted in ClinVar's aggregate classification.
Comment: Published functional studies are inconclusive: reduced ATM protein levels but retained kinase activity (PMID: 18846412); In silico analysis supports that this missense variant has a deleterious effect on protein structure/function; This variant is associated with the following publications: (PMID: 23143971, 25040471, 28779002, 30283815, 30549301, 36293153, 37438524, 35585550, 26896183, 18846412)

Myriad Genetics, Inc.
Classification: Likely pathogenic for Familial cancer of breast. Last evaluated: 2024-10-08. Review status: criteria provided, single submitter. Criteria: Myriad Autosomal Dominant, Autosomal Recessive and X-Linked Classification Criteria (2023). Collection method: clinical testing. Allele origin: unknown. Not counted in ClinVar's aggregate classification.
Comment: This variant is considered likely pathogenic. This variant is expected to disrupt protein structure [Myriad internal data]. This variant has been reported in multiple individuals with clinical features of gene-specific disease [PMID: 18846412, 37438524, 39138584, 30283815].

Quest Diagnostics Nichols Institute San Juan Capistrano
Classification: Uncertain significance. Last evaluated: 2024-08-12. Review status: criteria provided, single submitter. Criteria: Quest Diagnostics criteria. Collection method: clinical testing. Allele origin: unknown. Not counted in ClinVar's aggregate classification.
Comment: The ATM c.590G>A (p.Gly197Glu) variant has been reported in the published literature in individuals with ataxia telangiectasia (PMID: 26896183 (2016), 18846412 (2009)) and a reportedly healthy individual (PMID: 28779002 (2017)). Functional studies demonstrated that this variant has an inconclusive effect on protein function (PMID: 18846412 (2009)). The frequency of this variant in the general population, 0.00023 (7/30596 chromosomes (Genome Aggregation Database)), is uninformative in the assessment of its pathogenicity. Analysis of this variant using bioinformatics tools for the prediction of the effect of amino acid changes on protein structure and function yielded predictions that this variant is damaging. Based on the available information, we are unable to determine the clinical significance of this variant.

Department of Pathology and Laboratory Medicine, Sinai Health System
Classification: Uncertain significance for ATM-related cancer predisposition. Last evaluated: 2024-07-08. Review status: criteria provided, single submitter. Criteria: ACMG Guidelines, 2015. Collection method: clinical testing. Allele origin: germline. Not counted in ClinVar's aggregate classification.

Baylor Genetics
Classification: Uncertain significance for Familial cancer of breast. Last evaluated: 2022-09-26. Review status: criteria provided, single submitter. Criteria: ACMG Guidelines, 2015. Collection method: clinical testing. Allele origin: unknown. Not counted in ClinVar's aggregate classification.

Foundation for Research in Genetics and Endocrinology, FRIGE's Institute of Human Genetics
Classification: Likely pathogenic for Ataxia-telangiectasia syndrome. Last evaluated: 2021-10-29. Review status: criteria provided, single submitter. Criteria: ACMG Guidelines, 2015. Collection method: clinical testing. Allele origin: germline. Inheritance: Autosomal recessive inheritance. Affected: yes. Observed: 1 homozygote. Not counted in ClinVar's aggregate classification.
Comment: A homozygous missense variation in exon 6 of the ATM gene that results in the amino acid substitution of Glutamic acid for Glycine at codon 197 was detected. The observed variant c.590G>A (p.Gly197Glu) has not been reported in the 1000 genomes and gnomAD database. The in silico prediction of the variant are probably damaging by PolyPhen-2 and damaging by SIFT, MutationTaster2 and LRT. The reference codon is conserved across species. In summary, the variant meets our criteria to be classified as a likely pathogenic variant.

Literature cited by the submitters: PubMed 18846412 (cited by 5 submitters); PubMed 26896183 (cited by 3 submitters); PubMed 28779002 (cited by 4 submitters); PubMed 30549301 (cited by Color Diagnostics, LLC DBA Color Health and Ambry Genetics); PubMed 33471991 (cited by Color Diagnostics, LLC DBA Color Health and Department of Pathology and Laboratory Medicine, Sinai Health System); PubMed 36293153 (cited by Color Diagnostics, LLC DBA Color Health and Labcorp Genetics (formerly Invitae), Labcorp); PubMed 39138584 (cited by 3 submitters); PubMed 23143971 (cited by Ambry Genetics); PubMed 23640770 (cited by Ambry Genetics); PubMed 30283815 (cited by 3 submitters); PubMed 37438524 (cited by 3 submitters).